The following is an entry in ClinVar:

ClinVar aggregate classification (germline): Uncertain significance (1 of 4 stars; one submission).

gnomAD v4.1: 1 of 1,613,770 alleles (0.000062%); highest among the groups gnomAD compares: East Asian, 0.0022%; no homozygotes.

Submission:

GeneDx
Classification: Uncertain significance. Last evaluated: 2024-10-09. Review status: criteria provided, single submitter. Criteria: GeneDx Variant Classification Process June 2021. Collection method: clinical testing. Allele origin: germline. Affected: yes.
Comment: Not observed at significant frequency in large population cohorts (gnomAD); In silico analysis indicates that this missense variant does not alter protein structure/function; Has not been previously published as pathogenic or benign to our knowledge

NM_016604.4(KDM3B):c.4051G>C (p.Asp1351His)

Gene: KDM3B (lysine demethylase 3B; plus strand). Cytogenetic location: 5q31.2.
Variant type: single nucleotide variant.
Coding change: c.4051G>C on transcript NM_016604.4 (MANE Select); coding-DNA position 4051, G replaced by C.
Protein change: p.Asp1351His; replaces aspartic acid 1351 with histidine.
Molecular consequence: missense variant.
Genome position (GRCh38, 1-based): chr5:138,424,153, G>C. VCF-style: chr5-138424153-G-C. GRCh37 (hg19) VCF-style: chr5-137759842-G-C.
Other names: short protein forms D1351H.
Identifiers: ClinVar variation 3777644 (VCV003777644.1).
Genomic context (GRCh38, chr5:138,424,153, plus strand): 5'-AGCCTACCCAACTTTCTTGACCACATCATTGCCTCAGTGGTAGAAAATAAGAAAACCTCA[G>C]ATGCTTCAAAGCGGGCCTGCAACTTGACTGATACCCAGAAGGAAGTGAAGGAGATGGTGA-3'
Protein context (NP_057688.3, residues 1341-1361): ASVVENKKTS[Asp1351His]ASKRACNLTD